The following is an entry in ClinVar:

NM_001379200.1(TBX1):c.233C>T (p.Ala78Val)

Gene: TBX1 (T-box transcription factor 1; plus strand). Cytogenetic location: 22q11.21.
Variant type: single nucleotide variant.
Coding change: c.233C>T on transcript NM_001379200.1 (MANE Select); coding-DNA position 233, C replaced by T.
Protein change: p.Ala78Val; replaces alanine 78 with valine.
Molecular consequence: missense variant.
Genome position (GRCh38, 1-based): chr22:19,761,076, C>T. VCF-style: chr22-19761076-C-T. GRCh37 (hg19) VCF-style: chr22-19748599-C-T.
Other names: c.206C>T, p.Ala69Val (NM_005992.1, NM_080646.2, NM_080647.1); short protein forms A69V, A78V.
Identifiers: ClinVar variation 1785348 (VCV001785348.2), dbSNP rs1936643376, ClinGen allele CA410681427.
Genomic context (GRCh38, chr22:19,761,076, plus strand): 5'-GCTACGACCCGTGCGCCGCCGCCGCCCCCGGCGCCCCGGGCCCGCCGCCGCCGCCGCACG[C>T]CTACCCGTTTGCGCCGGCCGCCGGGGCCGCCACCAGCGCCGCCGCCGAGCCCGAGGGCCC-3'
Protein context (NP_001366129.1, residues 68-88): GAPGPPPPPH[Ala78Val]YPFAPAAGAA

ClinVar aggregate classification (germline): Uncertain significance (1 of 4 stars; one submission).

Conditions:
Cardiovascular phenotype. Identifiers: MedGen CN230736.

Submission:

Ambry Genetics
Classification: Uncertain significance for Cardiovascular phenotype. Last evaluated: 2022-08-03. Review status: criteria provided, single submitter. Criteria: Ambry Variant Classification Scheme 2023. Collection method: clinical testing. Allele origin: germline.
Comment: The p.A69V variant (also known as c.206C>T), located in coding exon 2 of the TBX1 gene, results from a C to T substitution at nucleotide position 206. The alanine at codon 69 is replaced by valine, an amino acid with similar properties. This amino acid position is conserved. In addition, this alteration is predicted to be tolerated by in silico analysis. Since supporting evidence is limited at this time, the clinical significance of this alteration remains unclear.